The following is an entry in ClinVar:

ClinVar aggregate classification (germline): Benign/Likely benign. Review status: criteria provided, multiple submitters, no conflicts (2 of 4 stars). 3 submissions from 3 submitters: Benign (1); Likely benign (1). 1 of the submissions does not count toward it. Last evaluated 2024-10-31.

Conditions:
EPO-related disorder. Also called: EPO-related condition.

Allele frequency attached by ClinVar (database versions not stated): gnomAD exomes 0.00024 and 0.00063; ExAC 0.00080; gnomAD 0.00231 and 0.00257; 1000 Genomes Project 0.00240; 1000 Genomes Project 30x 0.00250; TOPMed 0.00272; ESP Exome Variant Server 0.00338.
gnomAD v4.1: 691 of 1,589,610 alleles (0.043%); highest among the groups gnomAD compares: African/African-American, 0.87%; 4 homozygotes.

Submissions (3):

Blueprint Genetics
Classification: Likely benign. Last evaluated: 2024-10-31. Review status: criteria provided, single submitter. Criteria: ACMG Guidelines, 2015. Collection method: clinical testing. Allele origin: germline.

Labcorp Genetics (formerly Invitae), Labcorp
Classification: Benign. Last evaluated: 2019-12-31. Review status: criteria provided, single submitter. Criteria: Invitae Variant Classification Sherloc (09022015). Collection method: clinical testing. Allele origin: germline.

PreventionGenetics, part of Exact Sciences
Classification: Benign for EPO-related condition. Last evaluated: 2024-04-17. Review status: no assertion criteria provided. Collection method: clinical testing. Allele origin: germline. Not counted in ClinVar's aggregate classification.
Comment: This variant is classified as benign based on ACMG/AMP sequence variant interpretation guidelines (Richards et al. 2015 PMID: 25741868, with internal and published modifications).

NM_000799.4(EPO):c.237G>A (p.Lys79=)

Gene: EPO (erythropoietin; plus strand). Cytogenetic location: 7q22.1.
Variant type: single nucleotide variant.
Coding change: c.237G>A on transcript NM_000799.4 (MANE Select); coding-DNA position 237, G replaced by A.
Protein change: p.Lys79=; no amino-acid change (lysine 79 retained).
Molecular consequence: synonymous variant.
Genome position (GRCh38, 1-based): chr7:100,722,039, G>A. VCF-style: chr7-100722039-G-A. GRCh37 (hg19) VCF-style: chr7-100319662-G-A.
Identifiers: ClinVar variation 716909 (VCV000716909.6), dbSNP rs57694744, ClinGen allele CA4389480.
Genomic context (GRCh38, chr7:100,722,039, plus strand): 5'-CTGCAGCTTGAATGAGAATATCACTGTCCCAGACACCAAAGTTAATTTCTATGCCTGGAA[G>A]AGGATGGAGGTGAGTTCCTTTTTTTTTTTTTTTCCTTTCTTTTGGAGAATCTCATTTGCG-3'
Protein context (NP_000790.2, residues 69-89): PDTKVNFYAW[Lys79=]RMEVGQQAVE